The following is an entry in ClinVar:

NM_000093.5(COL5A1):c.1148C>A (p.Thr383Asn)

Gene: COL5A1 (collagen type V alpha 1 chain; plus strand). Cytogenetic location: 9q34.3.
Variant type: single nucleotide variant.
Coding change: c.1148C>A on transcript NM_000093.5 (MANE Select); coding-DNA position 1148, C replaced by A.
Protein change: p.Thr383Asn; replaces threonine 383 with asparagine.
Molecular consequence: missense variant.
Genome position (GRCh38, 1-based): chr9:134,730,459, C>A. VCF-style: chr9-134730459-C-A. GRCh37 (hg19) VCF-style: chr9-137622305-C-A.
Other names: c.1148C>A, p.Thr383Asn (NM_001278074.1); short protein forms T383N.
Identifiers: ClinVar variation 3635960 (VCV003635960.2).
Genomic context (GRCh38, chr9:134,730,459, plus strand): 5'-ACCCCGACCAGCCCACAGACCCAGGCGCTGGGGCCGAAATTCCCACCAGCACCGCCGACA[C>A]CTCCAACTCCTCCAATGTAATTTCTTTCCTTCCCATTGGTTTGGTCTGGGGCAGTGGGCC-3'
Protein context (NP_000084.3, residues 373-393): GAEIPTSTAD[Thr383Asn]SNSSNPAPPP

ClinVar aggregate classification (germline): Uncertain significance (1 of 4 stars; one submission).

Conditions:
Ehlers-Danlos syndrome, classic type, 1 (EDSCL1). Also called: EHLERS-DANLOS SYNDROME, GRAVIS TYPE; EHLERS-DANLOS SYNDROME, SEVERE CLASSIC TYPE; Ehlers-Danlos syndrome, type 1; Ehlers-Danlos Syndrome, Classic Type, COL5A1-Related; EDS I. Identifiers: MedGen C0268335, MONDO:0019567, OMIM 130000.

Submission:

Labcorp Genetics (formerly Invitae), Labcorp
Classification: Uncertain significance for Ehlers-Danlos syndrome, classic type, 1. Last evaluated: 2024-05-02. Review status: criteria provided, single submitter. Criteria: Invitae Variant Classification Sherloc (09022015). Collection method: clinical testing. Allele origin: germline.
Comment: This sequence change replaces threonine, which is neutral and polar, with asparagine, which is neutral and polar, at codon 383 of the COL5A1 protein (p.Thr383Asn). This variant is not present in population databases (gnomAD no frequency). This variant has not been reported in the literature in individuals affected with COL5A1-related conditions. Advanced modeling of protein sequence and biophysical properties (such as structural, functional, and spatial information, amino acid conservation, physicochemical variation, residue mobility, and thermodynamic stability) performed at Invitae indicates that this missense variant is not expected to disrupt COL5A1 protein function with a negative predictive value of 95%. In summary, the available evidence is currently insufficient to determine the role of this variant in disease. Therefore, it has been classified as a Variant of Uncertain Significance.